The following is an entry in ClinVar:

NM_000540.3(RYR1):c.6139G>C (p.Asp2047His)

Gene: RYR1 (ryanodine receptor 1; plus strand). Cytogenetic location: 19q13.2.
Variant type: single nucleotide variant.
Coding change: c.6139G>C on transcript NM_000540.3 (MANE Select); coding-DNA position 6139, G replaced by C.
Protein change: p.Asp2047His; replaces aspartic acid 2047 with histidine.
Molecular consequence: missense variant.
Genome position (GRCh38, 1-based): chr19:38,492,501, G>C. VCF-style: chr19-38492501-G-C. GRCh37 (hg19) VCF-style: chr19-38983141-G-C.
Other names: c.6139G>C, p.Asp2047His (NM_001042723.2); short protein forms D2047H.
Identifiers: ClinVar variation 979082 (VCV000979082.9), dbSNP rs763963516, ClinGen allele CA067817.

ClinVar aggregate classification (germline): Uncertain significance. Review status: criteria provided, multiple submitters, no conflicts (2 of 4 stars). 6 submissions from 6 submitters: Uncertain significance (6). Last evaluated 2025-05-16.

Conditions:
RYR1-related disorder. Also called: RYR1-related condition; RYR1-related disorders. Identifiers: MedGen CN239331.
Inborn genetic diseases. Identifiers: MedGen C0950123, MeSH D030342.
Malignant hyperthermia, susceptibility to, 1 (MHS1). Also called: Anesthesia related hyperthermia; Malignant hyperpyrexia; Fulminating hyperpyrexia; Pharmacogenic myopathy; Malignant hyperthermia suceptibility 1; RYR1-Related Malignant Hyperthermia Susceptibility. Identifiers: Orphanet 423, MedGen C2930980, MONDO:0007783, OMIM 145600.

Allele frequency attached by ClinVar (database versions not stated): TOPMed below 0.00001; gnomAD 0.00001; gnomAD exomes 0.00001 and 0.00004; ExAC 0.00002.
gnomAD v4.1: 12 of 1,614,006 alleles (0.00074%); highest among the groups gnomAD compares: Admixed American, 0.012%; no homozygotes.

Submissions (6):

GeneDx
Classification: Uncertain significance. Last evaluated: 2025-05-16. Review status: criteria provided, single submitter. Criteria: GeneDx Variant Classification Process June 2021. Collection method: clinical testing. Allele origin: germline. Affected: yes.
Comment: In silico analysis supports that this missense variant has a deleterious effect on protein structure/function; Has not been previously published as pathogenic or benign to our knowledge

Labcorp Genetics (formerly Invitae), Labcorp
Classification: Uncertain significance for RYR1-related disorder. Last evaluated: 2025-02-04. Review status: criteria provided, single submitter. Criteria: Invitae Variant Classification Sherloc (09022015). Collection method: clinical testing. Allele origin: germline.
Comment: This sequence change replaces aspartic acid, which is acidic and polar, with histidine, which is basic and polar, at codon 2047 of the RYR1 protein (p.Asp2047His). This variant is present in population databases (rs763963516, gnomAD 0.02%). This variant has not been reported in the literature in individuals affected with RYR1-related conditions. ClinVar contains an entry for this variant (Variation ID: 979082). Invitae Evidence Modeling of protein sequence and biophysical properties (such as structural, functional, and spatial information, amino acid conservation, physicochemical variation, residue mobility, and thermodynamic stability) indicates that this missense variant is not expected to disrupt RYR1 protein function with a negative predictive value of 80%. In summary, the available evidence is currently insufficient to determine the role of this variant in disease. Therefore, it has been classified as a Variant of Uncertain Significance.

Color Diagnostics, LLC DBA Color Health
Classification: Uncertain significance for Malignant hyperthermia, susceptibility to, 1. Last evaluated: 2024-03-19. Review status: criteria provided, single submitter. Criteria: ACMG Guidelines, 2015. Collection method: clinical testing. Allele origin: germline.
Comment: This missense variant replaces aspartic acid with histidine at codon 2047 of the RYR1 protein. Computational prediction suggests that this variant may not impact protein structure and function. To our knowledge, functional studies have not been reported for this variant. This variant has not been reported in individuals affected with RYR1-related disorders in the literature. This variant has been identified in 9/251392 chromosomes in the general population by the Genome Aggregation Database (gnomAD). The available evidence is insufficient to determine the role of this variant in disease conclusively. Therefore, this variant is classified as a Variant of Uncertain Significance.

Ambry Genetics
Classification: Uncertain significance for Inborn genetic diseases. Last evaluated: 2024-01-31. Review status: criteria provided, single submitter. Criteria: Ambry Variant Classification Scheme 2023. Collection method: clinical testing. Allele origin: germline.

Revvity Omics, Revvity
Classification: Uncertain significance. Last evaluated: 2020-10-19. Review status: criteria provided, single submitter. Criteria: ACMG Guidelines, 2015. Collection method: clinical testing. Allele origin: germline.

Human Genome Sequencing Center Clinical Lab, Baylor College of Medicine
Classification: Uncertain significance for Malignant hyperthermia suceptibility 1. Review status: criteria provided, single submitter. Criteria: ACMG Guidelines, 2015. Collection method: clinical testing. Allele origin: germline.